The following is an entry in ClinVar:

NM_182914.3(SYNE2):c.9389A>G (p.Asn3130Ser)

Gene: SYNE2 (spectrin repeat containing nuclear envelope protein 2; plus strand). Cytogenetic location: 14q23.2.
Variant type: single nucleotide variant.
Coding change: c.9389A>G on transcript NM_182914.3 (MANE Select); coding-DNA position 9389, A replaced by G.
Protein change: p.Asn3130Ser; replaces asparagine 3130 with serine.
Molecular consequence: missense variant.
Genome position (GRCh38, 1-based): chr14:64,053,302, A>G. VCF-style: chr14-64053302-A-G. GRCh37 (hg19) VCF-style: chr14-64520020-A-G.
Other names: c.9389A>G, p.Asn3130Ser (NM_015180.6); short protein forms N3130S.
Identifiers: ClinVar variation 130519 (VCV000130519.24), dbSNP rs11847087, ClinGen allele CA155622.

ClinVar aggregate classification (germline): Benign. Review status: criteria provided, multiple submitters, no conflicts (2 of 4 stars). 6 submissions from 6 submitters: Benign (5). 1 of the submissions does not count toward it. Last evaluated 2026-02-01.

Conditions:
SYNE2-related disorder. Also called: SYNE2-related condition.
Emery-Dreifuss muscular dystrophy 5, autosomal dominant (EDMD5). Also called: EMERY-DREIFUSS MUSCULAR DYSTROPHY 5. Identifiers: Orphanet 261, MedGen C2751805, MONDO:0013072, OMIM 612999.

Allele frequency attached by ClinVar (database versions not stated): gnomAD exomes 0.03966 and 0.04040; ExAC 0.04197; 1000 Genomes Project 0.06090; 1000 Genomes Project 30x 0.06402; gnomAD 0.06999 and 0.07400; ESP Exome Variant Server 0.07246; TOPMed 0.07587.
gnomAD v4.1: 68,735 of 1,608,316 alleles (4.3%); highest among the groups gnomAD compares: African/African-American, 16%; 2,162 homozygotes.

Submissions (10):

Labcorp Genetics (formerly Invitae), Labcorp
Classification: Benign for Emery-Dreifuss muscular dystrophy 5, autosomal dominant. Last evaluated: 2026-02-01. Review status: criteria provided, single submitter. Criteria: Invitae Variant Classification Sherloc (09022015). Collection method: clinical testing. Allele origin: germline.

GeneDx
Classification: Benign. Last evaluated: 2018-07-14. Review status: criteria provided, single submitter. Criteria: GeneDx Variant Classification Process June 2021. Collection method: clinical testing. Allele origin: germline. Affected: yes.

Illumina Laboratory Services, Illumina
Classification: Benign for Emery-Dreifuss muscular dystrophy 5, autosomal dominant. Last evaluated: 2018-01-13. Review status: criteria provided, single submitter. Criteria: ICSL Variant Classification Criteria 13 December 2019. Collection method: clinical testing. Allele origin: germline.
Comment: This variant was observed in the ICSL laboratory as part of a predisposition screen in an ostensibly healthy population. It had not been previously curated by ICSL or reported in the Human Gene Mutation Database (HGMD: prior to June 1st, 2018), and was therefore a candidate for classification through an automated scoring system. Utilizing variant allele frequency, disease prevalence and penetrance estimates, and inheritance mode, an automated score was calculated to assess if this variant is too frequent to cause the disease. Based on the score and internal cut-off values, a variant classified as benign is not then subjected to further curation. The score for this variant resulted in a classification of benign for this disease.

Genetic Services Laboratory, University of Chicago
Classification: Benign for AllHighlyPenetrant. Last evaluated: 2013-08-15. Review status: criteria provided, single submitter. Criteria: ACMG Guidelines, 2007. Collection method: clinical testing. Allele origin: germline. Inheritance: Autosomal dominant inheritance.

Breakthrough Genomics
Classification: Benign. Review status: criteria provided, single submitter. Criteria: ACMG Guidelines, 2015. Collection method: not provided. Allele origin: germline. Inheritance: Autosomal dominant inheritance. Affected: yes.

PreventionGenetics, part of Exact Sciences
Classification: Benign for SYNE2-related condition. Last evaluated: 2020-01-20. Review status: no assertion criteria provided. Collection method: clinical testing. Allele origin: germline. Not counted in ClinVar's aggregate classification.
Comment: This variant is classified as benign based on ACMG/AMP sequence variant interpretation guidelines (Richards et al. 2015 PMID: 25741868, with internal and published modifications).

Dr. Peter K. Rogan Lab, Western University
No classification provided (evidence only). Condition: Colon adenocarcinoma. Review status: no classification provided. Collection method: in vitro. Allele origin: not applicable. Functional consequence: retained intron. Not counted in ClinVar's aggregate classification.

Dr. Peter K. Rogan Lab, Western University
No classification provided (evidence only). Condition: Thymoma. Review status: no classification provided. Collection method: in vitro. Allele origin: not applicable. Functional consequence: retained intron. Not counted in ClinVar's aggregate classification.

Dr. Peter K. Rogan Lab, Western University
No classification provided (evidence only). Condition: Uveal melanoma. Review status: no classification provided. Collection method: in vitro. Allele origin: not applicable. Functional consequence: retained intron. Not counted in ClinVar's aggregate classification.

Dr. Peter K. Rogan Lab, Western University
No classification provided (evidence only). Condition: Malignant tumor of esophagus. Review status: no classification provided. Collection method: in vitro. Allele origin: not applicable. Functional consequence: retained intron. Not counted in ClinVar's aggregate classification.